The following is an entry in ClinVar:

NM_005476.7(GNE):c.1877A>G (p.His626Arg)

Gene: GNE (glucosamine (UDP-N-acetyl)-2-epimerase/N-acetylmannosamine kinase; minus strand). Cytogenetic location: 9p13.3.
Variant type: single nucleotide variant.
Coding change: c.1877A>G on transcript NM_005476.7 (MANE Select); coding-DNA position 1877, A replaced by G.
Protein change: p.His626Arg; replaces histidine 626 with arginine.
Molecular consequence: missense variant.
Genome position (GRCh38, 1-based): chr9:36,218,239, T>C on the plus strand (A>G on the coding strand, the complement: GNE is on the minus strand). VCF-style: chr9-36218239-T-C. GRCh37 (hg19) VCF-style: chr9-36218236-T-C.
Other names: c.1970A>G, p.His657Arg (NM_001128227.3); c.1655A>G, p.His552Arg (NM_001190383.3); c.1547A>G, p.His516Arg (NM_001190384.3); c.1700A>G, p.His567Arg (NM_001190388.2, NM_001374798.1); c.1724A>G, p.His575Arg (NM_001374797.1); short protein forms H516R, H552R, H567R, H575R, H626R, H657R.
Identifiers: ClinVar variation 2506249 (VCV002506249.1), dbSNP rs2489591464, ClinGen allele CA373425093.
Genomic context (GRCh38, chr9:36,218,239, plus strand): 5'-TCACCTGTTCTTAGGATGCTCTGGGCCTTCGCATTGCCAAGTTTCGCAGCTTGGATGAGA[T>C]GGAGCGCACCCACAGCCTCATCTTTTGGCACTGACATCCCTTCCACCAAGAGCAGGTCCT-3'
Protein context (NP_005467.1, residues 616-636): VPKDEAVGAL[His626Arg]LIQAAKLGNA

ClinVar aggregate classification (germline): Uncertain significance (1 of 4 stars; one submission).

gnomAD v4.1: 1 of 1,614,082 alleles (0.000062%); highest among the groups gnomAD compares: Non-Finnish European, 0.000085%; no homozygotes.

Submission:

Women's Health and Genetics/Laboratory Corporation of America, LabCorp
Classification: Uncertain significance. Last evaluated: 2023-05-17. Review status: criteria provided, single submitter. Criteria: LabCorp Variant Classification Summary - May 2015. Collection method: clinical testing. Allele origin: germline.
Comment: Variant summary: GNE c.1970A>G (p.His657Arg) results in a non-conservative amino acid change in the encoded protein sequence. Four of five in-silico tools predict a damaging effect of the variant on protein function. The variant was absent in 251472 control chromosomes (gnomAD). The available data on variant occurrences in the general population are insufficient to allow any conclusion about variant significance. c.1970A>G has been reported in the literature in an individual affected with GNE related myopathy (example: Mori-Yoshimura_2012). These data do not allow any conclusion about variant significance. To our knowledge, no experimental evidence demonstrating an impact on protein function has been reported. The following publication has been ascertained in the context of this evaluation (PMID: 22507750). No clinical diagnostic laboratories have submitted clinical-significance assessments for this variant to ClinVar after 2014. Based on the evidence outlined above, the variant was classified as uncertain significance.

Literature cited by the submitters: PubMed 22507750.